The following is an entry in ClinVar:

ClinVar aggregate classification (germline): Likely benign. Review status: criteria provided, multiple submitters, no conflicts (2 of 4 stars). 3 submissions from 3 submitters: Likely benign (3). Last evaluated 2026-06-26.

Conditions:
Familial thoracic aortic aneurysm and aortic dissection (TAAD). Also called: Thoracic aortic aneurysms and dissections. Identifiers: Orphanet 91387, MedGen C4707243, MONDO:0019625.
COL5A1-related disorder. Also called: COL5A1-related condition.
Ehlers-Danlos syndrome, classic type, 1 (EDSCL1). Also called: EHLERS-DANLOS SYNDROME, GRAVIS TYPE; EHLERS-DANLOS SYNDROME, SEVERE CLASSIC TYPE; Ehlers-Danlos Syndrome, Classic Type, COL5A1-Related; Ehlers-Danlos syndrome, type 1; EDS I. Identifiers: MedGen C0268335, MONDO:0019567, OMIM 130000.

Allele frequency attached by ClinVar (database versions not stated): gnomAD 0.00001; TOPMed 0.00002; ESP Exome Variant Server 0.00008.
gnomAD v4.1: 5 of 1,613,884 alleles (0.00031%); highest among the groups gnomAD compares: Non-Finnish European, 0.00042%; no homozygotes.

Submissions (3):

PreventionGenetics, part of Exact Sciences
Classification: Likely benign for COL5A1-related condition. Last evaluated: 2026-06-26. Review status: criteria provided, single submitter. Criteria: ACMG Guidelines, 2015. Collection method: clinical testing. Allele origin: germline.
Comment: This variant is classified as likely benign based on ACMG/AMP sequence variant interpretation guidelines (Richards et al. 2015 PMID: 25741868, with internal and published modifications).

Labcorp Genetics (formerly Invitae), Labcorp
Classification: Likely benign for Ehlers-Danlos syndrome, classic type, 1. Last evaluated: 2024-04-03. Review status: criteria provided, single submitter. Criteria: Invitae Variant Classification Sherloc (09022015). Collection method: clinical testing. Allele origin: germline.

Ambry Genetics
Classification: Likely benign for Familial thoracic aortic aneurysm and aortic dissection. Last evaluated: 2024-01-27. Review status: criteria provided, single submitter. Criteria: Ambry Variant Classification Scheme 2023. Collection method: clinical testing. Allele origin: germline.

NM_000093.5(COL5A1):c.540C>A (p.Ile180=)

Gene: COL5A1 (collagen type V alpha 1 chain; plus strand). Cytogenetic location: 9q34.3.
Variant type: single nucleotide variant.
Coding change: c.540C>A on transcript NM_000093.5 (MANE Select); coding-DNA position 540, C replaced by A.
Protein change: p.Ile180=; no amino-acid change (isoleucine 180 retained).
Molecular consequence: synonymous variant.
Genome position (GRCh38, 1-based): chr9:134,701,219, C>A. VCF-style: chr9-134701219-C-A. GRCh37 (hg19) VCF-style: chr9-137593065-C-A.
Other names: c.540C>A (NM_000093.4, NM_000093.3); c.540C>A, p.Ile180= (NM_001278074.1).
Identifiers: ClinVar variation 1149100 (VCV001149100.12), dbSNP rs374994926, ClinGen allele CA201087314.